The following is an entry in ClinVar:

ClinVar aggregate classification (germline): Uncertain significance (1 of 4 stars; one submission).

Conditions:
Cardiovascular phenotype. Identifiers: MedGen CN230736.

Allele frequency attached by ClinVar (database versions not stated): gnomAD exomes below 0.00001; TOPMed below 0.00001; gnomAD 0.00001.
gnomAD v4.1: 4 of 1,611,654 alleles (0.00025%); highest among the groups gnomAD compares: Non-Finnish European, 0.00034%; no homozygotes.

Submission:

Ambry Genetics
Classification: Uncertain significance for Cardiovascular phenotype. Last evaluated: 2023-11-30. Review status: criteria provided, single submitter. Criteria: Ambry Variant Classification Scheme 2023. Collection method: clinical testing. Allele origin: germline.
Comment: The p.V104A variant (also known as c.311T>C), located in coding exon 3 of the TECRL gene, results from a T to C substitution at nucleotide position 311. The valine at codon 104 is replaced by alanine, an amino acid with similar properties. This amino acid position is conserved. In addition, this alteration is predicted to be tolerated by in silico analysis. Since supporting evidence is limited at this time, the clinical significance of this alteration remains unclear.

NM_001010874.5(TECRL):c.311T>C (p.Val104Ala)

Gene: TECRL (trans-2,3-enoyl-CoA reductase like; minus strand). Cytogenetic location: 4q13.1.
Variant type: single nucleotide variant.
Coding change: c.311T>C on transcript NM_001010874.5 (MANE Select); coding-DNA position 311, T replaced by C.
Protein change: p.Val104Ala; replaces valine 104 with alanine.
Molecular consequence: missense variant.
Genome position (GRCh38, 1-based): chr4:64,328,532, A>G on the plus strand (T>C on the coding strand, the complement: TECRL is on the minus strand). VCF-style: chr4-64328532-A-G. GRCh37 (hg19) VCF-style: chr4-65194250-A-G.
Other names: c.311T>C, p.Val104Ala (NM_001363796.1); short protein forms V104A.
Identifiers: ClinVar variation 3232338 (VCV003232338.1), dbSNP rs1577879424, ClinGen allele CA357145845.